The following is an entry in ClinVar:

ClinVar aggregate classification (germline): Uncertain significance. Review status: criteria provided, multiple submitters, no conflicts (2 of 4 stars). 2 submissions from 2 submitters: Uncertain significance (2). Last evaluated 2024-01-18.

Allele frequency attached by ClinVar (database versions not stated): ESP Exome Variant Server 0.00016; TOPMed 0.00026; gnomAD 0.00031 and 0.00033; gnomAD exomes 0.00036; ExAC 0.00058.
gnomAD v4.1: 502 of 1,599,962 alleles (0.031%); highest among the groups gnomAD compares: Non-Finnish European, 0.036%; 1 homozygote.

Submissions (2):

Labcorp Genetics (formerly Invitae), Labcorp
Classification: Uncertain significance. Last evaluated: 2024-01-18. Review status: criteria provided, single submitter. Criteria: Invitae Variant Classification Sherloc (09022015). Collection method: clinical testing. Allele origin: germline.
Comment: This sequence change replaces glutamic acid, which is acidic and polar, with lysine, which is basic and polar, at codon 2318 of the LAMA5 protein (p.Glu2318Lys). This variant is present in population databases (rs370006512, gnomAD 0.06%). This variant has not been reported in the literature in individuals affected with LAMA5-related conditions. ClinVar contains an entry for this variant (Variation ID: 871097). Advanced modeling of protein sequence and biophysical properties (such as structural, functional, and spatial information, amino acid conservation, physicochemical variation, residue mobility, and thermodynamic stability) performed at Invitae indicates that this missense variant is not expected to disrupt LAMA5 protein function with a negative predictive value of 80%. In summary, the available evidence is currently insufficient to determine the role of this variant in disease. Therefore, it has been classified as a Variant of Uncertain Significance.

CeGaT Center for Human Genetics Tuebingen
Classification: Uncertain significance. Last evaluated: 2022-08-01. Review status: criteria provided, single submitter. Criteria: CeGaT Center For Human Genetics Tuebingen Variant Classification Criteria Version 2. Collection method: clinical testing. Allele origin: germline. Affected: yes. Observed: 4 variant alleles.

NM_005560.6(LAMA5):c.6952G>A (p.Glu2318Lys)

Gene: LAMA5 (laminin subunit alpha 5; minus strand). Cytogenetic location: 20q13.33.
Variant type: single nucleotide variant.
Coding change: c.6952G>A on transcript NM_005560.6 (MANE Select); coding-DNA position 6952, G replaced by A.
Protein change: p.Glu2318Lys; replaces glutamic acid 2318 with lysine.
Molecular consequence: missense variant.
Genome position (GRCh38, 1-based): chr20:62,318,933, C>T on the plus strand (G>A on the coding strand, the complement: LAMA5 is on the minus strand). VCF-style: chr20-62318933-C-T. GRCh37 (hg19) VCF-style: chr20-60893989-C-T.
Other names: short protein forms E2318K.
Identifiers: ClinVar variation 871097 (VCV000871097.44), dbSNP rs370006512, ClinGen allele CA9941488.